The following is an entry in ClinVar:

NM_004991.4(MECOM):c.1984A>G (p.Ile662Val)

Gene: MECOM (MDS1 and EVI1 complex locus; minus strand). Cytogenetic location: 3q26.2.
Variant type: single nucleotide variant.
Coding change: c.1984A>G on transcript NM_004991.4 (MANE Select); coding-DNA position 1984, A replaced by G.
Protein change: p.Ile662Val; replaces isoleucine 662 with valine.
Molecular consequence: missense variant. On other transcripts: intron variant (2).
Genome position (GRCh38, 1-based): chr3:169,115,888, T>C on the plus strand (A>G on the coding strand, the complement: MECOM is on the minus strand). VCF-style: chr3-169115888-T-C. GRCh37 (hg19) VCF-style: chr3-168833676-T-C.
Other names: c.1984A>G (NM_004991.3); c.1423A>G, p.Ile475Val (NM_001366467.2, NM_001366468.2, NM_001366470.2 and 1 more transcripts); c.1420A>G, p.Ile474Val (NM_001366469.2, NM_001366471.2, NM_001366472.2 and 4 more transcripts); c.1133-121A>G (NM_001366473.2); c.569-121A>G (NM_001366474.2); c.1615A>G, p.Ile539Val (NM_001105077.4); c.1984A>G, p.Ile662Val (NM_001366466.2); short protein forms I474V, I475V, I539V, I662V.
Identifiers: ClinVar variation 2790703 (VCV002790703.4), dbSNP rs949526646, ClinGen allele CA87592261.

ClinVar aggregate classification (germline): Uncertain significance. Review status: criteria provided, multiple submitters, no conflicts (2 of 4 stars). 2 submissions from 2 submitters: Uncertain significance (2). Last evaluated 2025-12-11.

Conditions:
Inborn genetic diseases. Identifiers: MedGen C0950123, MeSH D030342.

Allele frequency attached by ClinVar (database versions not stated): TOPMed below 0.00001; gnomAD 0.00001.
gnomAD v4.1: 1 of 1,614,000 alleles (0.000062%); highest among the groups gnomAD compares: African/African-American, 0.0013%; no homozygotes.

Submissions (2):

Ambry Genetics
Classification: Uncertain significance for Inborn genetic diseases. Last evaluated: 2025-12-11. Review status: criteria provided, single submitter. Criteria: Ambry Variant Classification Scheme 2023. Collection method: clinical testing. Allele origin: germline.
Comment: The p.I662V variant (also known as c.1984A>G), located in coding exon 8 of the MECOM gene, results from an A to G substitution at nucleotide position 1984. The isoleucine at codon 662 is replaced by valine, an amino acid with highly similar properties. This amino acid position is conserved. In addition, this alteration is predicted to be tolerated by in silico analysis. Based on the available evidence, the clinical significance of this variant remains unclear.

Labcorp Genetics (formerly Invitae), Labcorp
Classification: Uncertain significance. Last evaluated: 2022-10-27. Review status: criteria provided, single submitter. Criteria: Invitae Variant Classification Sherloc (09022015). Collection method: clinical testing. Allele origin: germline.
Comment: This sequence change replaces isoleucine, which is neutral and non-polar, with valine, which is neutral and non-polar, at codon 474 of the MECOM protein (p.Ile474Val). This variant is not present in population databases (gnomAD no frequency). This variant has not been reported in the literature in individuals affected with MECOM-related conditions. Algorithms developed to predict the effect of missense changes on protein structure and function are either unavailable or do not agree on the potential impact of this missense change (SIFT: "Deleterious"; PolyPhen-2: "Probably Damaging"; Align-GVGD: "Class C0"). In summary, the available evidence is currently insufficient to determine the role of this variant in disease. Therefore, it has been classified as a Variant of Uncertain Significance.